The following is an entry in ClinVar:

NM_002241.5(KCNJ10):c.1-20T>G

Gene: KCNJ10 (potassium inwardly rectifying channel subfamily J member 10; minus strand). Cytogenetic location: 1q23.2.
Variant type: single nucleotide variant.
Coding change: c.1-20T>G on transcript NM_002241.5 (MANE Select); 20 bases into the intron before coding-DNA position 1, T replaced by G.
Molecular consequence: intron variant.
Genome position (GRCh38, 1-based): chr1:160,042,552, A>C on the plus strand (T>G on the coding strand, the complement: KCNJ10 is on the minus strand). VCF-style: chr1-160042552-A-C. GRCh37 (hg19) VCF-style: chr1-160012342-A-C.
Identifiers: ClinVar variation 391545 (VCV000391545.2), dbSNP rs752563712, ClinGen allele CA16603459.

ClinVar aggregate classification (germline): Likely benign. Review status: criteria provided, multiple submitters, no conflicts (2 of 4 stars). 2 submissions from 2 submitters: Likely benign (2). Last evaluated 2024-07-03.

Allele frequency attached by ClinVar (database versions not stated): TOPMed below 0.00001; gnomAD 0.00001; gnomAD exomes 0.00001 and 0.00004.
gnomAD v4.1: 61 of 1,610,288 alleles (0.0038%); highest among the groups gnomAD compares: Non-Finnish European, 0.0051%; no homozygotes.

Submissions (2):

Blueprint Genetics
Classification: Likely benign. Last evaluated: 2024-07-03. Review status: criteria provided, single submitter. Criteria: ACMG Guidelines, 2015. Collection method: clinical testing. Allele origin: germline.

GeneDx
Classification: Likely benign. Last evaluated: 2016-12-06. Review status: criteria provided, single submitter. Criteria: GeneDx Variant Classification (06012015). Collection method: clinical testing. Allele origin: germline. Affected: yes.
Comment: This variant is considered likely benign or benign based on one or more of the following criteria: it is a conservative change, it occurs at a poorly conserved position in the protein, it is predicted to be benign by multiple in silico algorithms, and/or has population frequency not consistent with disease.